The following is an entry in ClinVar:

NM_001374736.1(DST):c.5006A>G (p.Lys1669Arg)

Gene: DST (dystonin; minus strand). Cytogenetic location: 6p12.1.
Variant type: single nucleotide variant.
Coding change: c.5006A>G on transcript NM_001374736.1 (MANE Select); coding-DNA position 5006, A replaced by G.
Protein change: p.Lys1669Arg; replaces lysine 1669 with arginine.
Molecular consequence: missense variant.
Genome position (GRCh38, 1-based): chr6:56,614,408, T>C on the plus strand (A>G on the coding strand, the complement: DST is on the minus strand). VCF-style: chr6-56614408-T-C. GRCh37 (hg19) VCF-style: chr6-56479206-T-C.
Other names: c.4907A>G, p.Lys1636Arg (NM_001144769.5); c.4493A>G, p.Lys1498Arg (NM_001144770.2); c.5006A>G, p.Lys1669Arg (NM_001374722.1); c.4373A>G, p.Lys1458Arg (NM_001374729.1, NM_001374730.1, NM_001386100.1 and 1 more transcripts); c.5033A>G, p.Lys1678Arg (NM_001374734.1); c.3395A>G, p.Lys1132Arg (NM_015548.5); short protein forms K1132R, K1636R, K1458R, K1498R, K1678R, K1669R.
Identifiers: ClinVar variation 1518943 (VCV001518943.6), dbSNP rs1237962534, ClinGen allele CA364561703.

ClinVar aggregate classification (germline): Uncertain significance (1 of 4 stars; one submission).

Conditions:
Hereditary sensory and autonomic neuropathy type 6. Also called: HSAN VI; Neuropathy, hereditary sensory and autonomic, type VI. Identifiers: Orphanet 314381, MedGen C3539003, MONDO:0013839, OMIM 614653.
Epidermolysis bullosa simplex 3, localized or generalized intermediate, with BP230 deficiency (EBS3). Also called: Epidermolysis bullosa simplex due to BP230 deficiency; Epidermolysis bullosa simplex, autosomal recessive 2. Identifiers: Orphanet 412181, MedGen C3809470, MONDO:0014180, OMIM 615425.

Submission:

Labcorp Genetics (formerly Invitae), Labcorp
Classification: Uncertain significance for Epidermolysis bullosa simplex 3, localized or generalized intermediate, with BP230 deficiency; Hereditary sensory and autonomic neuropathy type 6. Last evaluated: 2021-07-13. Review status: criteria provided, single submitter. Criteria: Invitae Variant Classification Sherloc (09022015). Collection method: clinical testing. Allele origin: germline.
Comment: This sequence change replaces lysine with arginine at codon 1132 of the DST protein (p.Lys1132Arg). The DST gene has multiple clinically relevant transcripts. This variant occurs in alternate transcript NM_015548.4, and corresponds to NM_001723.5:C.*1109A>G in the primary transcript. This variant is not present in population databases (ExAC no frequency). This variant has not been reported in the literature in individuals affected with DST-related conditions. Experimental studies and prediction algorithms are not available or were not evaluated, and the functional significance of this variant is currently unknown. Algorithms developed to predict the effect of sequence changes on RNA splicing suggest that this variant may create or strengthen a splice site. In summary, the available evidence is currently insufficient to determine the role of this variant in disease. Therefore, it has been classified as a Variant of Uncertain Significance.